The following is an entry in ClinVar:

NM_014639.4(SKIC3):c.772C>T (p.Gln258Ter)

Gene: SKIC3 (SKI3 subunit of superkiller complex; minus strand). Cytogenetic location: 5q15.
Variant type: single nucleotide variant.
Coding change: c.772C>T on transcript NM_014639.4 (MANE Select); coding-DNA position 772, C replaced by T.
Protein change: p.Gln258Ter; replaces glutamine 258 with a stop codon.
Molecular consequence: nonsense.
Genome position (GRCh38, 1-based): chr5:95,530,209, G>A on the plus strand (C>T on the coding strand, the complement: SKIC3 is on the minus strand). VCF-style: chr5-95530209-G-A. GRCh37 (hg19) VCF-style: chr5-94865913-G-A.
Other names: short protein forms Q258*.
Identifiers: ClinVar variation 666990 (VCV000666990.4), dbSNP rs1580193741, ClinGen allele CA360466825.

ClinVar aggregate classification (germline): Likely pathogenic (1 of 4 stars; one submission).

Conditions:
Trichohepatoenteric syndrome. Also called: Syndromic diarrhea; Tricho-hepato-enteric syndrome; THE SYNDROME. Identifiers: Orphanet 84064, MedGen C1857276, MONDO:0009105.

Submission:

Laboratory for Molecular Medicine, Mass General Brigham Personalized Medicine
Classification: Likely pathogenic for Trichohepatoenteric syndrome. Last evaluated: 2018-08-13. Review status: criteria provided, single submitter. Criteria: LMM Criteria. Collection method: clinical testing. Allele origin: germline. Inheritance: Autosomal recessive inheritance. Observed: 1 variant allele.
Comment: The p.Tyr84X variant in TTC37 has not been previously reported in individuals wi th trichohepatoenteric syndrome and was absent from large population studies. Th is nonsense variant leads to a premature termination codon at position 84, which is predicted to lead to a truncated or absent protein. Biallelic loss of functi on of the TTC37 gene is an established disease mechanism in trichohepatoenteric syndrome. In summary, although additional studies are required to demonstrate a null effect, this variant is likely pathogenic for trichohepatoenteric syndrome in an autosomal recessive manner based on the predicted impact on the protein. A CMG/AMP Criteria applied: PVS1, PM2.